The following is an entry in ClinVar:

NM_000152.5(GAA):c.1387C>T (p.Arg463Trp)

Gene: GAA (alpha glucosidase; plus strand). Cytogenetic location: 17q25.3.
Variant type: single nucleotide variant.
Coding change: c.1387C>T on transcript NM_000152.5 (MANE Select); coding-DNA position 1387, C replaced by T.
Protein change: p.Arg463Trp; replaces arginine 463 with tryptophan.
Molecular consequence: missense variant.
Genome position (GRCh38, 1-based): chr17:80,110,005, C>T. VCF-style: chr17-80110005-C-T. GRCh37 (hg19) VCF-style: chr17-78083804-C-T.
Other names: c.1387C>T (NM_000152.3); c.1387C>T, p.Arg463Trp (NM_001079803.3, NM_001079804.3); short protein forms R463W.
Identifiers: ClinVar variation 288972 (VCV000288972.14), dbSNP rs199748889, ClinGen allele CA8815301.

ClinVar aggregate classification (germline): Uncertain significance. Review status: criteria provided, multiple submitters, no conflicts (2 of 4 stars). 6 submissions from 6 submitters: Uncertain significance (5). 1 of the submissions does not count toward it. Last evaluated 2025-05-05.

Conditions:
Glycogen storage disease, type II (IOPD). Also called: POMPE DISEASE, INFANTILE-ONSET; GLYCOGEN STORAGE DISEASE II, INFANTILE-ONSET; ACID ALPHA-GLUCOSIDASE DEFICIENCY, INFANTILE-ONSET; GAA DEFICIENCY, INFANTILE-ONSET; ACID MALTASE DEFICIENCY, INFANTILE-ONSET; CARDIOMEGALIA GLYCOGENICA DIFFUSA. Identifiers: Orphanet 365, MedGen C0017921, MONDO:0009290, OMIM 232300.

Allele frequency attached by ClinVar (database versions not stated): gnomAD 0.00001; gnomAD exomes 0.00001 and 0.00002; ExAC 0.00004; 1000 Genomes Project 0.00020; 1000 Genomes Project 30x 0.00031.
gnomAD v4.1: 14 of 1,613,124 alleles (0.00087%); highest among the groups gnomAD compares: African/African-American, 0.0013%; no homozygotes.

Submissions (6):

Revvity Omics, Revvity
Classification: Uncertain significance. Last evaluated: 2025-05-05. Review status: criteria provided, single submitter. Criteria: ACMG Guidelines, 2015. Collection method: clinical testing. Allele origin: germline.

GeneDx
Classification: Uncertain significance. Last evaluated: 2024-08-19. Review status: criteria provided, single submitter. Criteria: GeneDx Variant Classification Process June 2021. Collection method: clinical testing. Allele origin: germline. Affected: yes.
Comment: Not observed at significant frequency in large population cohorts (gnomAD); In silico analysis supports that this missense variant has a deleterious effect on protein structure/function; Has not been previously published as pathogenic or benign to our knowledge; This variant is associated with the following publications: (PMID: 19343043, 22253258)

Genome-Nilou Lab
Classification: Uncertain significance for Glycogen storage disease, type II. Last evaluated: 2021-09-05. Review status: criteria provided, single submitter. Criteria: ACMG Guidelines, 2015. Collection method: clinical testing. Allele origin: germline. Affected: no.

Labcorp Genetics (formerly Invitae), Labcorp
Classification: Uncertain significance for Glycogen storage disease, type II. Last evaluated: 2021-08-30. Review status: criteria provided, single submitter. Criteria: Invitae Variant Classification Sherloc (09022015). Collection method: clinical testing. Allele origin: germline.
Comment: This sequence change replaces arginine with tryptophan at codon 463 of the GAA protein (p.Arg463Trp). The arginine residue is moderately conserved and there is a moderate physicochemical difference between arginine and tryptophan. This variant is present in population databases (rs199748889, ExAC 0.01%). This variant has not been reported in the literature in individuals affected with GAA-related conditions. ClinVar contains an entry for this variant (Variation ID: 288972). Algorithms developed to predict the effect of missense changes on protein structure and function are either unavailable or do not agree on the potential impact of this missense change (SIFT: "Deleterious"; PolyPhen-2: "Possibly Damaging"; Align-GVGD: "Class C15"). In summary, the available evidence is currently insufficient to determine the role of this variant in disease. Therefore, it has been classified as a Variant of Uncertain Significance.

Eurofins Ntd Llc (ga)
Classification: Uncertain significance. Last evaluated: 2016-07-18. Review status: criteria provided, single submitter. Criteria: EGL Classification Definitions 2015. Collection method: clinical testing. Allele origin: germline. Observed: 1 variant allele, 1 heterozygote.

Natera, Inc.
Classification: Uncertain significance for Glycogen storage disease type II. Last evaluated: 2019-10-28. Review status: no assertion criteria provided. Collection method: clinical testing. Allele origin: germline. Not counted in ClinVar's aggregate classification.